The following is an entry in ClinVar:

ClinVar aggregate classification (germline): Uncertain significance (1 of 4 stars; one submission).

Conditions:
Neuroblastoma, susceptibility to, 3. Also called: ALK-Related Neuroblastic Tumor Susceptibility. Identifiers: Orphanet 635, MedGen C2751681, MONDO:0013083, OMIM 613014.

Allele frequency attached by ClinVar (database versions not stated): TOPMed 0.00001.
gnomAD v4.1: 2 of 1,614,022 alleles (0.00012%); highest among the groups gnomAD compares: African/African-American, 0.0013%; no homozygotes.

Submission:

Labcorp Genetics (formerly Invitae), Labcorp
Classification: Uncertain significance for Neuroblastoma, susceptibility to, 3. Last evaluated: 2024-08-07. Review status: criteria provided, single submitter. Criteria: Invitae Variant Classification Sherloc (09022015). Collection method: clinical testing. Allele origin: germline.
Comment: This sequence change replaces proline, which is neutral and non-polar, with arginine, which is basic and polar, at codon 278 of the ALK protein (p.Pro278Arg). This variant is not present in population databases (gnomAD no frequency). This variant has not been reported in the literature in individuals affected with ALK-related conditions. ClinVar contains an entry for this variant (Variation ID: 1468257). An algorithm developed to predict the effect of missense changes on protein structure and function (PolyPhen-2) suggests that this variant is likely to be disruptive. In summary, the available evidence is currently insufficient to determine the role of this variant in disease. Therefore, it has been classified as a Variant of Uncertain Significance.

NM_004304.5(ALK):c.833C>G (p.Pro278Arg)

Gene: ALK (ALK receptor tyrosine kinase; minus strand). Cytogenetic location: 2p23.2.
Variant type: single nucleotide variant.
Coding change: c.833C>G on transcript NM_004304.5 (MANE Select); coding-DNA position 833, C replaced by G.
Protein change: p.Pro278Arg; replaces proline 278 with arginine.
Molecular consequence: missense variant.
Genome position (GRCh38, 1-based): chr2:29,694,969, G>C on the plus strand (C>G on the coding strand, the complement: ALK is on the minus strand). VCF-style: chr2-29694969-G-C. GRCh37 (hg19) VCF-style: chr2-29917835-G-C.
Other names: short protein forms P278R.
Identifiers: ClinVar variation 1468257 (VCV001468257.8), dbSNP rs199703254, ClinGen allele CA346587048.
Genomic context (GRCh38, chr2:29,694,969, plus strand): 5'-GCCTCCTCGGAGGGGATGCGGCGCCAGGACCAGCTCTGGTTCCTGAGGTCATGCAGTGGA[G>C]GGGAATACTCCAGCTCACAGGGGAAGTCAAAGCTGCACTCCAGACCTGCAATAATAGCCA-3'
Protein context (NP_004295.2, residues 268-288): FDFPCELEYS[Pro278Arg]PLHDLRNQSW